The following is an entry in ClinVar:

NM_001353108.3(CEP63):c.1346T>C (p.Met449Thr)

Gene: CEP63 (centrosomal protein 63; plus strand). Cytogenetic location: 3q22.2.
Variant type: single nucleotide variant.
Coding change: c.1346T>C on transcript NM_001353108.3 (MANE Select); coding-DNA position 1346, T replaced by C.
Protein change: p.Met449Thr; replaces methionine 449 with threonine.
Molecular consequence: missense variant. On other transcripts: non-coding transcript variant (4).
Genome position (GRCh38, 1-based): chr3:134,550,226, T>C. VCF-style: chr3-134550226-T-C. GRCh37 (hg19) VCF-style: chr3-134269068-T-C.
Other names: c.1208T>C, p.Met403Thr (NM_001042383.2, NM_001042384.2, NM_001353109.1 and 6 more transcripts); c.1346T>C, p.Met449Thr (NM_001042400.3, NM_001353110.1, NM_001353111.2 and 4 more transcripts); c.1235T>C, p.Met412Thr (NM_001353118.1); c.1124T>C, p.Met375Thr (NM_001353125.2); c.845T>C, p.Met282Thr (NM_001353126.2); short protein forms M282T, M403T, M375T, M412T, M449T.
Identifiers: ClinVar variation 1966691 (VCV001966691.5), dbSNP rs2547032200, ClinGen allele CA354631447.

ClinVar aggregate classification (germline): Uncertain significance (1 of 4 stars; one submission).

Allele frequency attached by ClinVar (database versions not stated): gnomAD exomes below 0.00001.
gnomAD v4.1: 1 of 1,614,152 alleles (0.000062%); highest among the groups gnomAD compares: Non-Finnish European, 0.000085%; no homozygotes.

Submission:

Labcorp Genetics (formerly Invitae), Labcorp
Classification: Uncertain significance. Last evaluated: 2022-08-09. Review status: criteria provided, single submitter. Criteria: Invitae Variant Classification Sherloc (09022015). Collection method: clinical testing. Allele origin: germline.
Comment: Algorithms developed to predict the effect of missense changes on protein structure and function are either unavailable or do not agree on the potential impact of this missense change (SIFT: "Deleterious"; PolyPhen-2: "Benign"; Align-GVGD: "Class C0"). This sequence change replaces methionine, which is neutral and non-polar, with threonine, which is neutral and polar, at codon 449 of the CEP63 protein (p.Met449Thr). This variant is not present in population databases (gnomAD no frequency). This variant has not been reported in the literature in individuals affected with CEP63-related conditions. In summary, the available evidence is currently insufficient to determine the role of this variant in disease. Therefore, it has been classified as a Variant of Uncertain Significance.